The following is an entry in ClinVar:

ClinVar aggregate classification (germline): Uncertain significance. Review status: criteria provided, multiple submitters, no conflicts (2 of 4 stars). 4 submissions from 4 submitters: Uncertain significance (3). 1 of the submissions does not count toward it. Last evaluated 2022-07-12.

Conditions:
Neuromuscular disease caused by qualitative or quantitative defects of dysferlin. Also called: Dysferlinopathy; Qualitative or quantitative defects of dysferlin. Identifiers: Orphanet 207073, MedGen C2931687, MONDO:0016145.
Autosomal recessive limb-girdle muscular dystrophy type 2B (LGMDR2). Also called: MUSCULAR DYSTROPHY, LIMB-GIRDLE, TYPE 3; Limb-girdle muscular dystrophy, type 2B; Limb-Girdle Muscular Dystrophy Type 2B (LGMD2B); MUSCULAR DYSTROPHY, LIMB-GIRDLE, AUTOSOMAL RECESSIVE 2. Identifiers: Orphanet 268, MedGen C1850889, MONDO:0009676, OMIM 253601.

Allele frequency attached by ClinVar (database versions not stated): gnomAD exomes below 0.00001; ExAC 0.00001; gnomAD 0.00002; TOPMed 0.00003.
gnomAD v4.1: 12 of 1,613,392 alleles (0.00074%); highest among the groups gnomAD compares: Middle Eastern, 0.016%; no homozygotes.

Submissions (4):

Labcorp Genetics (formerly Invitae), Labcorp
Classification: Uncertain significance for Neuromuscular disease caused by qualitative or quantitative defects of dysferlin. Last evaluated: 2022-07-12. Review status: criteria provided, single submitter. Criteria: Invitae Variant Classification Sherloc (09022015). Collection method: clinical testing. Allele origin: germline.
Comment: This sequence change replaces proline, which is neutral and non-polar, with leucine, which is neutral and non-polar, at codon 1266 of the DYSF protein (p.Pro1266Leu). This variant is present in population databases (rs761916273, gnomAD 0.003%). This variant has not been reported in the literature in individuals affected with DYSF-related conditions. ClinVar contains an entry for this variant (Variation ID: 336967). Advanced modeling of protein sequence and biophysical properties (such as structural, functional, and spatial information, amino acid conservation, physicochemical variation, residue mobility, and thermodynamic stability) performed at Invitae indicates that this missense variant is not expected to disrupt DYSF protein function. In summary, the available evidence is currently insufficient to determine the role of this variant in disease. Therefore, it has been classified as a Variant of Uncertain Significance.

Mayo Clinic Laboratories, Mayo Clinic
Classification: Uncertain significance. Last evaluated: 2019-07-07. Review status: criteria provided, single submitter. Criteria: ACMG Guidelines, 2015. Collection method: clinical testing. Allele origin: germline. Observed: 1 variant allele.

Illumina Laboratory Services, Illumina
Classification: Uncertain significance for Qualitative or quantitative defects of dysferlin. Last evaluated: 2018-01-13. Review status: criteria provided, single submitter. Criteria: ICSL Variant Classification Criteria 13 December 2019. Collection method: clinical testing. Allele origin: germline.

Natera, Inc.
Classification: Uncertain significance for Limb-girdle muscular dystrophy type 2B. Last evaluated: 2020-07-17. Review status: no assertion criteria provided. Collection method: clinical testing. Allele origin: germline. Not counted in ClinVar's aggregate classification.

NM_001130987.2(DYSF):c.3851C>T (p.Pro1284Leu)

Gene: DYSF (dysferlin; plus strand). Cytogenetic location: 2p13.2.
Variant type: single nucleotide variant.
Coding change: c.3851C>T on transcript NM_001130987.2 (MANE Select); coding-DNA position 3851, C replaced by T.
Protein change: p.Pro1284Leu; replaces proline 1284 with leucine.
Molecular consequence: missense variant.
Genome position (GRCh38, 1-based): chr2:71,600,796, C>T. VCF-style: chr2-71600796-C-T. GRCh37 (hg19) VCF-style: chr2-71827926-C-T.
Other names: c.3800C>T, p.Pro1267Leu (NM_001130455.2, NM_001130983.2); c.3755C>T, p.Pro1252Leu (NM_001130976.2, NM_001130977.2); c.3797C>T, p.Pro1266Leu (NM_001130978.2, NM_003494.4); c.3890C>T, p.Pro1297Leu (NM_001130979.2); c.3848C>T, p.Pro1283Leu (NM_001130980.2, NM_001130981.2); c.3893C>T, p.Pro1298Leu (NM_001130982.2); c.3758C>T, p.Pro1253Leu (NM_001130984.2, NM_001130986.2); c.3851C>T, p.Pro1284Leu (NM_001130985.2); short protein forms P1266L, P1284L, P1253L, P1267L, P1252L, P1283L, P1297L, P1298L.
Identifiers: ClinVar variation 336967 (VCV000336967.16), dbSNP rs761916273, ClinGen allele CA1706725.